The following is an entry in ClinVar:

NM_001098.3(ACO2):c.2105_2106del (p.Gln702fs)

Genes: ACO2 (aconitase 2; plus strand), POLR3H (RNA polymerase III subunit H; minus strand). Cytogenetic location: 22q13.2.
Variant type: Deletion.
Coding change: c.2105_2106del on transcript NM_001098.3 (MANE Select); coding-DNA positions 2105 to 2106, 2 bases deleted (AG; older notation c.2105_2106delAG).
Protein change: p.Gln702fs; shifts the reading frame from glutamine 702.
Molecular consequence: frameshift variant. On other transcripts: 3 prime UTR variant (5).
Genome position (GRCh38, 1-based): chr22:41,527,919-41,527,920, AG deleted. VCF-style (leftmost placement, unchanged base first): chr22-41527918-CAG-C. GRCh37 (hg19) VCF-style: chr22-41923922-CAG-C.
Other names: c.*1363_*1364del (NM_001018050.4, NM_001018052.4, NM_001282884.2 and 2 more transcripts); short protein forms Q702fs.
Identifiers: ClinVar variation 520987 (VCV000520987.10), dbSNP rs1555890974, ClinGen allele CA658799559.

ClinVar aggregate classification (germline): Pathogenic. Review status: criteria provided, multiple submitters, no conflicts (2 of 4 stars). 2 submissions from 2 submitters: Pathogenic (2). Last evaluated 2025-10-12.

Conditions:
Inborn genetic diseases. Identifiers: MedGen C0950123, MeSH D030342.

Allele frequency attached by ClinVar (database versions not stated): gnomAD exomes below 0.00001.

Submissions (2):

Labcorp Genetics (formerly Invitae), Labcorp
Classification: Pathogenic. Last evaluated: 2025-10-12. Review status: criteria provided, single submitter. Criteria: Invitae Variant Classification Sherloc (09022015). Collection method: clinical testing. Allele origin: germline.
Comment: This sequence change creates a premature translational stop signal (p.Gln702Argfs*9) in the ACO2 gene. It is expected to result in an absent or disrupted protein product. Loss-of-function variants in ACO2 are known to be pathogenic (PMID: 30689204, 32519519). This variant is not present in population databases (gnomAD no frequency). This variant has not been reported in the literature in individuals affected with ACO2-related conditions. ClinVar contains an entry for this variant (Variation ID: 520987). For these reasons, this variant has been classified as Pathogenic.

Ambry Genetics
Classification: Pathogenic for Inborn genetic diseases. Last evaluated: 2016-03-24. Review status: criteria provided, single submitter. Criteria: Ambry exome assertion method (8-5-2015). Collection method: clinical testing. Allele origin: germline. Affected: yes. Observed: 1 variant allele.

Literature cited by the submitters: PubMed 30689204 (cited by Labcorp Genetics (formerly Invitae), Labcorp); PubMed 32519519 (cited by Labcorp Genetics (formerly Invitae), Labcorp).